The following is an entry in ClinVar:

NM_000038.6(APC):c.6474del (p.Phe2159fs)

Gene: APC (APC regulator of Wnt signaling pathway; plus strand). Cytogenetic location: 5q22.2.
Variant type: Deletion.
Coding change: c.6474del on transcript NM_000038.6 (MANE Select); coding-DNA position 6474, one base deleted (C; older notation c.6474delC).
Protein change: p.Phe2159fs; shifts the reading frame from phenylalanine 2159.
Molecular consequence: frameshift variant. On other transcripts: non-coding transcript variant (2).
Genome position (GRCh38, 1-based): chr5:112,842,068, C deleted; the last of 3 consecutive C bases (chr5:112,842,066-112,842,068); deleting any one gives the same sequence. VCF-style (leftmost placement, unchanged base first): chr5-112842065-AC-A. GRCh37 (hg19) VCF-style: chr5-112177762-AC-A.
Other names: c.6474del, p.Phe2159fs (NM_001407450.1, NM_001127510.3, NM_001354895.2); c.6453del, p.Phe2152fs (NM_001407451.1); c.6444del, p.Phe2149fs (NM_001407452.1); c.6297del, p.Phe2100fs (NM_001407453.1, NM_001354901.2); c.6225del, p.Phe2076fs (NM_001407454.1, NM_001407455.1, NM_001407456.1 and 1 more transcripts); c.6171del, p.Phe2058fs (NM_001407458.1, NM_001407459.1, NM_001407460.1 and 1 more transcripts); c.6087del, p.Phe2030fs (NM_001407467.1, NM_001407469.1); c.5625del, p.Phe1876fs (NM_001407470.1, NM_001354906.2); and 12 more; short protein forms F1775fs, F1876fs, F1999fs, F2030fs, F2033fs, F2058fs, F2068fs, F2076fs.
Identifiers: ClinVar variation 2574116 (VCV002574116.5), dbSNP rs1561607463, ClinGen allele CA917556803.

ClinVar aggregate classification (germline): Pathogenic/Likely pathogenic. Review status: criteria provided, multiple submitters, no conflicts (2 of 4 stars). 3 submissions from 3 submitters: Pathogenic (1); Likely pathogenic (1). 1 of the submissions does not count toward it. Last evaluated 2026-06-29.

Conditions:
Hereditary cancer-predisposing syndrome. Also called: Hereditary neoplastic syndrome; Hereditary Cancer Syndrome; Neoplastic Syndromes, Hereditary; Tumor predisposition. Identifiers: Orphanet 140162, MedGen C0027672, MeSH D009386, MONDO:0015356.
Familial adenomatous polyposis 1 (FAP1). Also called: FAMILIAL ADENOMATOUS POLYPOSIS 1, ATTENUATED; POLYPOSIS, ADENOMATOUS INTESTINAL. Identifiers: MedGen C2713442, MONDO:0021056, OMIM 175100. Disease mechanism: loss of function.

Submissions (3):

Ambry Genetics
Classification: Likely pathogenic for Hereditary cancer-predisposing syndrome. Last evaluated: 2026-06-29. Review status: criteria provided, single submitter. Criteria: Ambry Variant Classification Scheme 2023. Collection method: clinical testing. Allele origin: germline.
Comment: The c.6474delC variant, located in coding exon 15 of the APC gene, results from a deletion of one nucleotide at nucleotide position 6474, causing a translational frameshift with a predicted alternate stop codon (p.F2159Lfs*10). This variant occurs at the 3' terminus of the gene, is not expected to trigger nonsense-mediated mRNA decay, and impacts the last 24% of the protein. However, premature stop codons are typically deleterious in nature and a significant portion of the protein is affected (Ambry internal data). This variant is considered to be rare based on population cohorts in the Genome Aggregation Database (gnomAD). Based on the majority of available evidence to date, this variant is likely to be pathogenic.

Myriad Genetics, Inc.
Classification: Pathogenic for Familial adenomatous polyposis 1. Last evaluated: 2023-05-15. Review status: criteria provided, single submitter. Criteria: Myriad Autosomal Dominant, Autosomal Recessive and X-Linked Classification Criteria (2023). Collection method: clinical testing. Allele origin: unknown.
Comment: This variant is considered pathogenic. This variant creates a frameshift predicted to result in premature protein truncation.

deCODE genetics, Amgen
Classification: Likely pathogenic for Familial adenomatous polyposis 1. Last evaluated: 2023-07-21. Review status: no assertion criteria provided. Collection method: research. Allele origin: germline. Affected: yes. Observed: 6 variant alleles. Not counted in ClinVar's aggregate classification.
Comment: The variant NM_000038.6:c.6474del (chr5:112842065) in APC was detected in 2 heterozygotes out of 58K WGS Icelanders (MAF= 0,002%). This variant has not been reported in ClinVar previously. Based on ACMG criteria (PVS1, PM2) this variant classifies as likely pathogenic.